The following is an entry in ClinVar:

ClinVar aggregate classification (germline): Pathogenic. Review status: criteria provided, multiple submitters, no conflicts (2 of 4 stars). 2 submissions from 2 submitters: Pathogenic (2). Last evaluated 2024-05-20.

Conditions:
Retinoblastoma (RB1). Also called: RETINOBLASTOMA, SOMATIC. Identifiers: Orphanet 790, MedGen C0035335, MeSH D012175, MONDO:0008380, OMIM 180200, HP:0009919. Disease mechanism: loss of function. Inheritance: Both sporadic and heritable forms are tested..

Submissions (2):

Genetic Diagnostic Laboratory, University of Pennsylvania School of Medicine
Classification: Pathogenic for Retinoblastoma. Last evaluated: 2024-05-20. Review status: criteria provided, single submitter. Criteria: ACMG Guidelines, 2015. Collection method: clinical testing. Allele origin: germline. Affected: yes. Observed: 3 variant alleles.
Comment: Case and Pedigree Information: BILATERAL CASES:3, UNILATERAL CASES:0, TOTAL CASES:3, PEDIGREES:3. ACMG Codes Applied:PVS1, PM2, PS4SUP

Labcorp Genetics (formerly Invitae), Labcorp
Classification: Pathogenic for Retinoblastoma. Last evaluated: 2023-03-20. Review status: criteria provided, single submitter. Criteria: Invitae Variant Classification Sherloc (09022015). Collection method: clinical testing. Allele origin: germline.
Comment: For these reasons, this variant has been classified as Pathogenic. This premature translational stop signal has been observed in individual(s) with retinoblastoma (PMID: 28193182). In at least one individual the variant was observed to be de novo. This variant is not present in population databases (gnomAD no frequency). This sequence change creates a premature translational stop signal (p.Leu60*) in the RB1 gene. It is expected to result in an absent or disrupted protein product. Loss-of-function variants in RB1 are known to be pathogenic (PMID: 17096365).

Literature cited by the submitters: PubMed 28193182 (cited by Labcorp Genetics (formerly Invitae), Labcorp); PubMed 17096365 (cited by Labcorp Genetics (formerly Invitae), Labcorp).

NM_000321.3(RB1):c.179T>G (p.Leu60Ter)

Gene: RB1 (RB transcriptional corepressor 1; plus strand). Cytogenetic location: 13q14.2.
Variant type: single nucleotide variant.
Coding change: c.179T>G on transcript NM_000321.3 (MANE Select); coding-DNA position 179, T replaced by G.
Protein change: p.Leu60Ter; replaces leucine 60 with a stop codon.
Molecular consequence: nonsense.
Genome position (GRCh38, 1-based): chr13:48,307,321, T>G. VCF-style: chr13-48307321-T-G. GRCh37 (hg19) VCF-style: chr13-48881457-T-G.
Other names: c.179T>G, p.Leu60Ter (NM_001407165.1, NM_001407166.1, NM_001407167.1); short protein forms L60*.
Identifiers: ClinVar variation 2736014 (VCV002736014.4), dbSNP rs2542100048, ClinGen allele CA388250512.